The following is an entry in ClinVar:

NM_144736.5(NDUFAF7):c.215A>C (p.Lys72Thr)

Gene: NDUFAF7 (NADH:ubiquinone oxidoreductase complex assembly factor 7; plus strand). Cytogenetic location: 2p22.2.
Variant type: single nucleotide variant.
Coding change: c.215A>C on transcript NM_144736.5 (MANE Select); coding-DNA position 215, A replaced by C.
Protein change: p.Lys72Thr; replaces lysine 72 with threonine.
Molecular consequence: missense variant. On other transcripts: non-coding transcript variant (10).
Genome position (GRCh38, 1-based): chr2:37,232,265, A>C. VCF-style: chr2-37232265-A-C. GRCh37 (hg19) VCF-style: chr2-37459408-A-C.
Other names: c.215A>C, p.Lys72Thr (NM_001083946.2, NM_001350024.2, NM_001350025.2 and 1 more transcripts); short protein forms K72T.
Identifiers: ClinVar variation 2026954 (VCV002026954.4), dbSNP rs763189981, ClinGen allele CA1617052.

ClinVar aggregate classification (germline): Uncertain significance (1 of 4 stars; one submission).

Allele frequency attached by ClinVar (database versions not stated): ExAC 0.00001; TOPMed 0.00001.
gnomAD v4.1: 7 of 1,612,754 alleles (0.00043%); highest among the groups gnomAD compares: Admixed American, 0.0083%; no homozygotes.

Submission:

Labcorp Genetics (formerly Invitae), Labcorp
Classification: Uncertain significance. Last evaluated: 2022-03-18. Review status: criteria provided, single submitter. Criteria: Invitae Variant Classification Sherloc (09022015). Collection method: clinical testing. Allele origin: germline.
Comment: In summary, the available evidence is currently insufficient to determine the role of this variant in disease. Therefore, it has been classified as a Variant of Uncertain Significance. Algorithms developed to predict the effect of missense changes on protein structure and function (SIFT, PolyPhen-2, Align-GVGD) all suggest that this variant is likely to be tolerated. This variant has not been reported in the literature in individuals affected with NDUFAF7-related conditions. This variant is present in population databases (rs763189981, gnomAD 0.006%). This sequence change replaces lysine, which is basic and polar, with threonine, which is neutral and polar, at codon 72 of the NDUFAF7 protein (p.Lys72Thr).